The following is an entry in ClinVar:

NM_000051.4(ATM):c.6807+4A>G

Genes: ATM (ATM serine/threonine kinase; plus strand), C11orf65 (chromosome 11 open reading frame 65; minus strand). Cytogenetic location: 11q22.3.
Variant type: single nucleotide variant.
Coding change: c.6807+4A>G on transcript NM_000051.4 (MANE Select); 4 bases into the intron after coding-DNA position 6807, A replaced by G.
Molecular consequence: intron variant.
Genome position (GRCh38, 1-based): chr11:108,325,548, A>G. VCF-style: chr11-108325548-A-G. GRCh37 (hg19) VCF-style: chr11-108196275-A-G.
Other names: c.6807+4A>G (NM_001351834.2); c.641-16477T>C (NM_001330368.2); c.*38+9672T>C (NM_001351110.2).
Identifiers: ClinVar variation 524327 (VCV000524327.6), dbSNP rs1555119382, ClinGen allele CA658797755.

ClinVar aggregate classification (germline): Uncertain significance (1 of 4 stars; one submission).

Conditions:
Ataxia-telangiectasia syndrome (AT). Also called: Cerebello-oculocutaneous telangiectasia; Immunodeficiency with ataxia telangiectasia; Ataxia-telangiectasia, complementation group E; Ataxia-telangiectasia, complementation group D; AT, COMPLEMENTATION GROUP C; ATAXIA-TELANGIECTASIA, COMPLEMENTATION GROUP A. Identifiers: Orphanet 100, MedGen C0004135, MONDO:0008840, OMIM 208900.

Submission:

Labcorp Genetics (formerly Invitae), Labcorp
Classification: Uncertain significance for Ataxia-telangiectasia syndrome. Last evaluated: 2025-05-15. Review status: criteria provided, single submitter. Criteria: Invitae Variant Classification Sherloc (09022015). Collection method: clinical testing. Allele origin: germline.
Comment: This sequence change falls in intron 46 of the ATM gene. It does not directly change the encoded amino acid sequence of the ATM protein. It affects a nucleotide within the consensus splice site. This variant is not present in population databases (gnomAD no frequency). This variant has not been reported in the literature in individuals affected with ATM-related conditions. ClinVar contains an entry for this variant (Variation ID: 524327). Variants that disrupt the consensus splice site are a relatively common cause of aberrant splicing (PMID: 17576681, 9536098). Algorithms developed to predict the effect of sequence changes on RNA splicing suggest that this variant is not likely to affect RNA splicing. In summary, the available evidence is currently insufficient to determine the role of this variant in disease. Therefore, it has been classified as a Variant of Uncertain Significance.

Literature cited by the submitters: PubMed 17576681; PubMed 9536098.